The following is an entry in ClinVar:

NM_001162501.2(TNRC6B):c.253C>G (p.Arg85Gly)

Gene: TNRC6B (trinucleotide repeat containing adaptor 6B; plus strand). Cytogenetic location: 22q13.1.
Variant type: single nucleotide variant.
Coding change: c.253C>G on transcript NM_001162501.2 (MANE Select); coding-DNA position 253, C replaced by G.
Protein change: p.Arg85Gly; replaces arginine 85 with glycine.
Molecular consequence: missense variant.
Genome position (GRCh38, 1-based): chr22:40,261,969, C>G. VCF-style: chr22-40261969-C-G. GRCh37 (hg19) VCF-style: chr22-40657973-C-G.
Other names: c.361C>G, p.Arg121Gly (NM_001024843.2); c.253C>G, p.Arg85Gly (NM_015088.3); short protein forms R121G, R85G.
Identifiers: ClinVar variation 1805996 (VCV001805996.2), dbSNP rs2517980575, ClinGen allele CA411626273.

ClinVar aggregate classification (germline): Uncertain significance (1 of 4 stars; one submission).

Conditions:
Global developmental delay with speech and behavioral abnormalities. Identifiers: MedGen C5543226, MONDO:0030995, OMIM 619243.

gnomAD v4.1: 1 of 1,612,650 alleles (0.000062%); no homozygotes.

Submission:

Victorian Clinical Genetics Services, Murdoch Childrens Research Institute
Classification: Uncertain significance for Global developmental delay with speech and behavioral abnormalities. Last evaluated: 2023-07-16. Review status: criteria provided, single submitter. Criteria: ACMG Guidelines, 2015. Collection method: clinical testing. Allele origin: germline. Inheritance: Autosomal dominant inheritance. Affected: yes.
Comment: Based on the classification scheme VCGS_Germline_v1.3.4, this variant is classified as VUS-3C. Following criteria are met: 0102 - Loss of function is a known mechanism of disease in this gene and is associated with global developmental delay with speech and behavioural abnormalities (MIM#619243). (I) 0107 - This gene is associated with autosomal dominant disease. (I) 0200 - Variant is predicted to result in a missense amino acid change from arginine to glycine. (I) 0251 - This variant is heterozygous. (I) 0301 - Variant is absent from gnomAD (both v2 and v3). (SP) 0501 - Missense variant consistently predicted to be damaging by multiple in silico tools or highly conserved with a major amino acid change. (SP) 0604 - Variant is not located in an established domain, motif, hotspot or informative constraint region. (I) 0705 - No comparable missense variants have previous evidence for pathogenicity. However, an alternative change (p.(Arg85His)) has been reported in an ExAC derived control cohort (PMID: 33004838). (I) 0807 - This variant has no previous evidence of pathogenicity. (I) 0904 - Non-segregation of this variant with the phenotype under investigation has been clearly demonstrated. (SB) 1007 - No published functional evidence has been identified for this variant. (I) Legend: (SP) - Supporting pathogenic, (I) - Information, (SB) - Supporting benign

Literature cited by the submitters: PubMed 33004838.